The following is an entry in ClinVar:

NM_014336.5(AIPL1):c.586G>A (p.Glu196Lys)

Gene: AIPL1 (AIP like 1 HSP90 co-chaperone; minus strand). Cytogenetic location: 17p13.2.
Variant type: single nucleotide variant.
Coding change: c.586G>A on transcript NM_014336.5 (MANE Select); coding-DNA position 586, G replaced by A.
Protein change: p.Glu196Lys; replaces glutamic acid 196 with lysine.
Molecular consequence: missense variant.
Genome position (GRCh38, 1-based): chr17:6,426,937, C>T on the plus strand (G>A on the coding strand, the complement: AIPL1 is on the minus strand). VCF-style: chr17-6426937-C-T. GRCh37 (hg19) VCF-style: chr17-6330257-C-T.
Other names: c.397G>A, p.Glu133Lys (NM_001033054.3); c.406G>A, p.Glu136Lys (NM_001033055.3); c.550G>A, p.Glu184Lys (NM_001285399.3); c.520G>A, p.Glu174Lys (NM_001285400.3); c.586G>A, p.Glu196Lys (NM_001285401.3); c.469G>A, p.Glu157Lys (NM_001285402.2); c.562G>A, p.Glu188Lys (NM_001285403.4); short protein forms E188K, E174K, E196K, E136K, E157K, E133K, E184K.
Identifiers: ClinVar variation 1522110 (VCV001522110.8), dbSNP rs2150677659, ClinGen allele CA397395451.

ClinVar aggregate classification (germline): Uncertain significance (1 of 4 stars; one submission).

Conditions:
Leber congenital amaurosis 4 (LCA4). Identifiers: MedGen C1858386, MONDO:0011458, OMIM 604393.

Submission:

Labcorp Genetics (formerly Invitae), Labcorp
Classification: Uncertain significance for Leber congenital amaurosis 4. Last evaluated: 2022-06-13. Review status: criteria provided, single submitter. Criteria: Invitae Variant Classification Sherloc (09022015). Collection method: clinical testing. Allele origin: germline.
Comment: This sequence change replaces glutamic acid, which is acidic and polar, with lysine, which is basic and polar, at codon 196 of the AIPL1 protein (p.Glu196Lys). In summary, the available evidence is currently insufficient to determine the role of this variant in disease. Therefore, it has been classified as a Variant of Uncertain Significance. Algorithms developed to predict the effect of missense changes on protein structure and function (SIFT, PolyPhen-2, Align-GVGD) all suggest that this variant is likely to be tolerated. This variant has not been reported in the literature in individuals affected with AIPL1-related conditions. This variant is not present in population databases (gnomAD no frequency).